The following is an entry in ClinVar:

NM_015046.7(SETX):c.4014TAA[1] (p.Asn1339del)

Gene: SETX (senataxin; minus strand). Cytogenetic location: 9q34.13.
Variant type: Microsatellite.
Coding change: c.4014TAA[1] on transcript NM_015046.7 (MANE Select); one copy of the 3-base unit TAA starting at c.4014; the reference has two copies in a row; one copy, 3 bases deleted.
Protein change: p.Asn1339del; deletes asparagine 1339.
Molecular consequence: inframe deletion. On other transcripts: inframe indel (2).
Genome position (GRCh38, 1-based): chr9:132,327,579-132,327,581, TTA deleted on the plus strand (TAA on the coding strand, the reverse complement: SETX is on the minus strand); deleting any 3 consecutive bases within chr9:132,327,579-132,327,586 gives the same sequence; the position shown is the placement nearest the transcript's 3' end. VCF-style (leftmost placement, unchanged base first): chr9-132327578-CTTA-C. GRCh37 (hg19) VCF-style: chr9-135202965-CTTA-C.
Other names: c.4014TAA[1], p.Asn1339del (NM_001351527.2, NM_001351528.2); c.4012_4014AAT[1], p.Asn1339del (NM_015046.5); c.4017_4019delTAA (NM_015046.5); short protein forms N1339del.
Identifiers: ClinVar variation 2590109 (VCV002590109.2), dbSNP rs1846909584, ClinGen allele CA1129644155.
Genomic context (GRCh38, chr9:132,327,578, plus strand): 5'-TTTTTGTGATTTGGGTCTGATCTGCCTTTGCATCTGAAGTTCTTGACTAGTCAGAAGTTT[CTTA>C]TTATTTCTGACAGACAGGTTCTGAGGAGAAATTAATTTAGTCTTTTTTCGGGTATCAACT-3'

ClinVar aggregate classification (germline): Uncertain significance (1 of 4 stars; one submission).

Conditions:
Inborn genetic diseases. Identifiers: MedGen C0950123, MeSH D030342.

Submission:

Ambry Genetics
Classification: Uncertain significance for Inborn genetic diseases. Last evaluated: 2023-08-21. Review status: criteria provided, single submitter. Criteria: Ambry Variant Classification Scheme 2023. Collection method: clinical testing. Allele origin: germline.
Comment: The c.4017_4019delTAA (p.N1339del) alteration, located in coding exon 8 of the SETX gene, results from an in-frame deletion of three nucleotides at positions c.4017 to c.4019. This results in the deletion of an asparagine residue at codon 1339. Based on insufficient or conflicting evidence, the clinical significance of this alteration remains unclear.